The following is an entry in ClinVar:

NM_001378778.1(MPDZ):c.6102C>T (p.Gly2034=)

Gene: MPDZ (multiple PDZ domain crumbs cell polarity complex component; minus strand). Cytogenetic location: 9p23.
Variant type: single nucleotide variant.
Coding change: c.6102C>T on transcript NM_001378778.1 (MANE Select); coding-DNA position 6102, C replaced by T.
Protein change: p.Gly2034=; no amino-acid change (glycine 2034 retained).
Molecular consequence: synonymous variant.
Genome position (GRCh38, 1-based): chr9:13,107,076, G>A on the plus strand (C>T on the coding strand, the complement: MPDZ is on the minus strand). VCF-style: chr9-13107076-G-A. GRCh37 (hg19) VCF-style: chr9-13107075-G-A.
Other names: c.5805C>T, p.Gly1935= (NM_001375426.1, NM_001375425.1); c.5694C>T, p.Gly1898= (NM_001375427.1); c.6015C>T, p.Gly2005= (NM_003829.5); c.6003C>T, p.Gly2001= (NM_001261406.2, NM_001375416.1, NM_001375417.1 and 1 more transcripts); c.5916C>T, p.Gly1972= (NM_001261407.2, NM_001375419.1); c.6102C>T, p.Gly2034= (NM_001330637.2); c.6201C>T, p.Gly2067= (NM_001375413.1); c.5892C>T, p.Gly1964= (NM_001375420.1, NM_001375421.1, NM_001375422.1 and 2 more transcripts).
Identifiers: ClinVar variation 738424 (VCV000738424.11), dbSNP rs200049739, ClinGen allele CA4985952.

ClinVar aggregate classification (germline): Benign. Review status: criteria provided, single submitter (1 of 4 stars). 2 submissions from 2 submitters: Benign (1). 1 of the submissions does not count toward it. Last evaluated 2026-02-01.

Conditions:
MPDZ-related disorder. Also called: MPDZ-related condition.

Allele frequency attached by ClinVar (database versions not stated): gnomAD exomes 0.00016; ExAC 0.00022; gnomAD 0.00060 and 0.00064; 1000 Genomes Project 30x 0.00062; TOPMed 0.00069; 1000 Genomes Project 0.00080; ESP Exome Variant Server 0.00090.
gnomAD v4.1: 334 of 1,585,848 alleles (0.021%); highest among the groups gnomAD compares: African/African-American, 0.18%; no homozygotes.

Submissions (2):

Labcorp Genetics (formerly Invitae), Labcorp
Classification: Benign. Last evaluated: 2026-02-01. Review status: criteria provided, single submitter. Criteria: Invitae Variant Classification Sherloc (09022015). Collection method: clinical testing. Allele origin: germline.

PreventionGenetics, part of Exact Sciences
Classification: Likely benign for MPDZ-related condition. Last evaluated: 2019-02-24. Review status: no assertion criteria provided. Collection method: clinical testing. Allele origin: germline. Not counted in ClinVar's aggregate classification.
Comment: This variant is classified as likely benign based on ACMG/AMP sequence variant interpretation guidelines (Richards et al. 2015 PMID: 25741868, with internal and published modifications).